The following is an entry in ClinVar:

NM_015662.3(IFT172):c.2176G>A (p.Ala726Thr)

Gene: IFT172 (intraflagellar transport 172; minus strand). Cytogenetic location: 2p23.3.
Variant type: single nucleotide variant.
Coding change: c.2176G>A on transcript NM_015662.3 (MANE Select); coding-DNA position 2176, G replaced by A.
Protein change: p.Ala726Thr; replaces alanine 726 with threonine.
Molecular consequence: missense variant.
Genome position (GRCh38, 1-based): chr2:27,461,776, C>T on the plus strand (G>A on the coding strand, the complement: IFT172 is on the minus strand). VCF-style: chr2-27461776-C-T. GRCh37 (hg19) VCF-style: chr2-27684643-C-T.
Other names: c.2176G>A (NM_015662.2); short protein forms A726T.
Identifiers: ClinVar variation 1463303 (VCV001463303.10), dbSNP rs188779949, ClinGen allele CA1580376.

ClinVar aggregate classification (germline): Uncertain significance. Review status: criteria provided, multiple submitters, no conflicts (2 of 4 stars). 5 submissions from 5 submitters: Uncertain significance (4). 1 of the submissions does not count toward it. Last evaluated 2023-05-26.

Conditions:
Retinitis pigmentosa 71 (RP71). Identifiers: Orphanet 791, MedGen C4225342, MONDO:0014618, OMIM 616394.
Short-rib thoracic dysplasia 10 with or without polydactyly (SRTD10). Identifiers: Orphanet 474, MedGen C3810175, MONDO:0014284, OMIM 615630.
Bardet-Biedl syndrome 20. Identifiers: MedGen C4310707, MONDO:0023670, OMIM 619471, MONDO:0014926.
IFT172-related disorder. Also called: IFT172-related disorders; IFT172-related condition.

Allele frequency attached by ClinVar (database versions not stated): TOPMed below 0.00001; gnomAD 0.00002; ExAC 0.00004; gnomAD exomes 0.00004 and 0.00006; 1000 Genomes Project 0.00020; 1000 Genomes Project 30x 0.00031.
gnomAD v4.1: 87 of 1,614,142 alleles (0.0054%); highest among the groups gnomAD compares: Middle Eastern, 0.049%; no homozygotes.

Submissions (5):

Blueprint Genetics
Classification: Uncertain significance. Last evaluated: 2023-05-26. Review status: criteria provided, single submitter. Criteria: ACMG Guidelines, 2015. Collection method: clinical testing. Allele origin: germline.

Labcorp Genetics (formerly Invitae), Labcorp
Classification: Uncertain significance for Retinitis pigmentosa 71; Short-rib thoracic dysplasia 10 with or without polydactyly. Last evaluated: 2022-05-19. Review status: criteria provided, single submitter. Criteria: Invitae Variant Classification Sherloc (09022015). Collection method: clinical testing. Allele origin: germline.
Comment: This sequence change replaces alanine, which is neutral and non-polar, with threonine, which is neutral and polar, at codon 726 of the IFT172 protein (p.Ala726Thr). This variant is present in population databases (rs188779949, gnomAD 0.009%). This variant has not been reported in the literature in individuals affected with IFT172-related conditions. Algorithms developed to predict the effect of missense changes on protein structure and function (SIFT, PolyPhen-2, Align-GVGD) all suggest that this variant is likely to be tolerated. In summary, the available evidence is currently insufficient to determine the role of this variant in disease. Therefore, it has been classified as a Variant of Uncertain Significance.

Fulgent Genetics
Classification: Uncertain significance for Short-rib thoracic dysplasia 10 with or without polydactyly; Retinitis pigmentosa 71; Bardet-Biedl syndrome 20. Last evaluated: 2021-11-30. Review status: criteria provided, single submitter. Criteria: ACMG Guidelines, 2015. Collection method: clinical testing. Allele origin: unknown.

Breakthrough Genomics
Classification: Uncertain significance. Review status: criteria provided, single submitter. Criteria: ACMG Guidelines, 2015. Collection method: not provided. Allele origin: germline. Inheritance: Autosomal recessive inheritance. Affected: yes.

PreventionGenetics, part of Exact Sciences
Classification: Uncertain significance for IFT172-related condition. Last evaluated: 2024-04-25. Review status: no assertion criteria provided. Collection method: clinical testing. Allele origin: germline. Not counted in ClinVar's aggregate classification.
Comment: The IFT172 c.2176G>A variant is predicted to result in the amino acid substitution p.Ala726Thr. To our knowledge, this variant has not been reported in the literature. This variant is reported in 0.0085% of alleles in individuals of European (Non-Finnish) descent in gnomAD. At this time, the clinical significance of this variant is uncertain due to the absence of conclusive functional and genetic evidence.